The following is an entry in ClinVar:

NM_024503.5(HIVEP3):c.5968A>C (p.Asn1990His)

Gene: HIVEP3 (HIVEP zinc finger 3; minus strand). Cytogenetic location: 1p34.2.
Variant type: single nucleotide variant.
Coding change: c.5968A>C on transcript NM_024503.5 (MANE Select); coding-DNA position 5968, A replaced by C.
Protein change: p.Asn1990His; replaces asparagine 1990 with histidine.
Molecular consequence: missense variant.
Genome position (GRCh38, 1-based): chr1:41,513,253, T>G on the plus strand (A>C on the coding strand, the complement: HIVEP3 is on the minus strand). VCF-style: chr1-41513253-T-G. GRCh37 (hg19) VCF-style: chr1-41978924-T-G.
Other names: c.5968A>C, p.Asn1990His (NM_001127714.3); short protein forms N1990H.
Identifiers: ClinVar variation 3056419 (VCV003056419.2), dbSNP rs1642493953, ClinGen allele CA339915843.

ClinVar aggregate classification (germline): Likely benign (0 of 4 stars; one submission).

Conditions:
HIVEP3-related disorder. Also called: HIVEP3-related condition.

Submission:

PreventionGenetics, part of Exact Sciences
Classification: Likely benign for HIVEP3-related condition. Last evaluated: 2020-05-15. Review status: no assertion criteria provided. Collection method: clinical testing. Allele origin: germline.
Comment: This variant is classified as likely benign based on ACMG/AMP sequence variant interpretation guidelines (Richards et al. 2015 PMID: 25741868, with internal and published modifications).